The following is an entry in ClinVar:

ClinVar aggregate classification (germline): other (0 of 4 stars; one submission).

Conditions:
Familial colorectal cancer. Identifiers: MedGen CN280943, MONDO:0023113. Disease mechanism: loss of function.

Submission:

Systems Biology Platform Zhejiang California International NanoSystems Institute
Classification: other for Familial colorectal cancer. Review status: no assertion criteria provided. Collection method: not provided. Allele origin: unknown.
ClinVar note: Converted during submission from cancer to other.

NM_000038.6(APC):c.1959-144T>A

Gene: APC (APC regulator of WNT signaling pathway; plus strand). Cytogenetic location: 5q22.2.
Variant type: single nucleotide variant.
Coding change: c.1959-144T>A on transcript NM_000038.6 (MANE Select); 144 bases into the intron before coding-DNA position 1959, T replaced by A.
Molecular consequence: intron variant.
Genome position (GRCh38, 1-based): chr5:112,837,409, T>A. VCF-style: chr5-112837409-T-A. GRCh37 (hg19) VCF-style: chr5-112173106-T-A.
Other names: c.1959-144T>A (NM_001354895.2, NM_001127510.3); c.1989-144T>A (NM_001354897.2); c.1686-144T>A (NM_001354902.2); c.1905-144T>A (NM_001127511.3); c.1884-144T>A (NM_001354898.2); c.1581-144T>A (NM_001354904.2); c.1110-144T>A (NM_001354906.2); c.2013-144T>A (NM_001354896.2); and 5 more.
Identifiers: ClinVar variation 83231 (VCV000083231.2), dbSNP rs75266200, ClinGen allele CA006797.